The following is an entry in ClinVar:

NM_182914.3(SYNE2):c.20494G>A (p.Gly6832Ser)

Gene: SYNE2 (spectrin repeat containing nuclear envelope protein 2; plus strand). Cytogenetic location: 14q23.2.
Variant type: single nucleotide variant.
Coding change: c.20494G>A on transcript NM_182914.3 (MANE Select); coding-DNA position 20494, G replaced by A.
Protein change: p.Gly6832Ser; replaces glycine 6832 with serine.
Molecular consequence: missense variant.
Genome position (GRCh38, 1-based): chr14:64,225,023, G>A. VCF-style: chr14-64225023-G-A. GRCh37 (hg19) VCF-style: chr14-64691741-G-A.
Other names: c.20428G>A, p.Gly6810Ser (NM_015180.6); c.1060G>A, p.Gly354Ser (NM_182910.2); c.1441G>A, p.Gly481Ser (NM_182913.4); c.20494G>A (NM_182914.2); short protein forms G6810S, G354S, G481S, G6832S.
Identifiers: ClinVar variation 1422386 (VCV001422386.7), dbSNP rs368740030, ClinGen allele CA7224900.

ClinVar aggregate classification (germline): Uncertain significance. Review status: criteria provided, multiple submitters, no conflicts (2 of 4 stars). 2 submissions from 2 submitters: Uncertain significance (2). Last evaluated 2025-02-26.

Conditions:
Emery-Dreifuss muscular dystrophy 5, autosomal dominant (EDMD5). Also called: EMERY-DREIFUSS MUSCULAR DYSTROPHY 5. Identifiers: Orphanet 261, MedGen C2751805, MONDO:0013072, OMIM 612999.

Allele frequency attached by ClinVar (database versions not stated): gnomAD exomes below 0.00001; ExAC 0.00001; ESP Exome Variant Server 0.00008.
gnomAD v4.1: 1 of 1,613,976 alleles (0.000062%); highest among the groups gnomAD compares: Non-Finnish European, 0.000085%; no homozygotes.

Submissions (2):

Ambry Genetics
Classification: Uncertain significance. Last evaluated: 2025-02-26. Review status: criteria provided, single submitter. Criteria: Ambry Variant Classification Scheme 2023. Collection method: clinical testing. Allele origin: germline.

Labcorp Genetics (formerly Invitae), Labcorp
Classification: Uncertain significance for Emery-Dreifuss muscular dystrophy 5, autosomal dominant. Last evaluated: 2021-10-08. Review status: criteria provided, single submitter. Criteria: Invitae Variant Classification Sherloc (09022015). Collection method: clinical testing. Allele origin: germline.
Comment: In summary, the available evidence is currently insufficient to determine the role of this variant in disease. Therefore, it has been classified as a Variant of Uncertain Significance. Algorithms developed to predict the effect of missense changes on protein structure and function (SIFT, PolyPhen-2, Align-GVGD) all suggest that this variant is likely to be tolerated. This variant has not been reported in the literature in individuals affected with SYNE2-related conditions. This variant is present in population databases (rs368740030, ExAC 0.002%). This sequence change replaces glycine with serine at codon 6832 of the SYNE2 protein (p.Gly6832Ser). The glycine residue is moderately conserved and there is a small physicochemical difference between glycine and serine.